The following is an entry in ClinVar:

NM_000321.3(RB1):c.1150C>T (p.Gln384Ter)

Gene: RB1 (RB transcriptional corepressor 1; plus strand). Cytogenetic location: 13q14.2.
Variant type: single nucleotide variant.
Coding change: c.1150C>T on transcript NM_000321.3 (MANE Select); coding-DNA position 1150, C replaced by T.
Protein change: p.Gln384Ter; replaces glutamine 384 with a stop codon.
Molecular consequence: nonsense.
Genome position (GRCh38, 1-based): chr13:48,373,427, C>T. VCF-style: chr13-48373427-C-T. GRCh37 (hg19) VCF-style: chr13-48947563-C-T.
Other names: c.1150C>T, p.Gln384Ter (NM_001407165.1, NM_001407166.1); short protein forms Q384*.
Identifiers: ClinVar variation 4710088 (VCV004710088.1).

ClinVar aggregate classification (germline): Pathogenic (1 of 4 stars; one submission).

Conditions:
Retinoblastoma (RB1). Also called: RETINOBLASTOMA, SOMATIC. Identifiers: Orphanet 790, MedGen C0035335, MeSH D012175, MONDO:0008380, OMIM 180200, HP:0009919. Disease mechanism: loss of function. Inheritance: Both sporadic and heritable forms are tested..

Submission:

Labcorp Genetics (formerly Invitae), Labcorp
Classification: Pathogenic for Retinoblastoma. Last evaluated: 2025-04-26. Review status: criteria provided, single submitter. Criteria: Invitae Variant Classification Sherloc (09022015). Collection method: clinical testing. Allele origin: germline.
Comment: This sequence change creates a premature translational stop signal (p.Gln384*) in the RB1 gene. It is expected to result in an absent or disrupted protein product. Loss-of-function variants in RB1 are known to be pathogenic (PMID: 17096365). This variant is not present in population databases (gnomAD no frequency). This premature translational stop signal has been observed in individual(s) with retinoblastoma (PMID: 8178820). For these reasons, this variant has been classified as Pathogenic.

Literature cited by the submitters: PubMed 17096365; PubMed 8178820.